The following is an entry in ClinVar:

ClinVar aggregate classification (somatic clinical impact): Tier I - Strong (1 of 4 stars; one submission).

Conditions:
Meningioma. Also called: Meningioma, somatic. Identifiers: Orphanet 2495, MedGen C0025286, MONDO:0016642, HP:0002858.

Submission:

Institute for Genomic Medicine (IGM) Clinical Laboratory, Nationwide Children's Hospital
Classification: Tier I - Strong for Meningioma. Assertion type: diagnostic. Clinical significance: supports diagnosis. Last evaluated: 2025-10-21. Review status: criteria provided, single submitter. Criteria: AMP/ASCO/CAP Guidelines, 2017. Collection method: clinical testing. Allele origin: somatic. Affected: yes.
Comment: Variant has Tier I (strong) clinical significance as a diagnostic inclusion criterion in meningioma, based on the following evidence: 1) Documented in one or more cancer databases (e.g., St. Jude Pecan, COSMIC, CIViC, OncoKB). 2) Appears in one or more well-established professional guidelines (e.g., World Health Organization [WHO]; National Comprehensive Cancer Network [NCCN]) as providing diagnostic, prognostic, or therapeutic information. 3) Information in the literature supports potential biologic effect of variant (PMID: 22825583). 4) Diagnostic for a specific tumor type/classification according to professional guidelines (Evidence Level A; PMIDs: 20682713, 12000789, 31652973, 8162072, 32716568, 23334667, 33087175).

Literature cited by the submitters: PubMed 22825583; PubMed 20682713; PubMed 12000789; PubMed 31652973; PubMed 8162072; PubMed 32716568; PubMed 23334667; PubMed 33087175.

NM_000268.4(NF2):c.1069G>T (p.Glu357Ter)

Gene: NF2 (NF2, moesin-ezrin-radixin like (MERLIN) tumor suppressor; plus strand). Cytogenetic location: 22q12.2.
Variant type: single nucleotide variant.
Coding change: c.1069G>T on transcript NM_000268.4 (MANE Select); coding-DNA position 1069, G replaced by T.
Protein change: p.Glu357Ter; replaces glutamic acid 357 with a stop codon.
Molecular consequence: nonsense. On other transcripts: intron variant (1).
Genome position (GRCh38, 1-based): chr22:29,671,895, G>T. VCF-style: chr22-29671895-G-T. GRCh37 (hg19) VCF-style: chr22-30067884-G-T.
Other names: c.1069G>T, p.Glu357Ter (NM_001407066.1, NM_016418.5, NM_181825.3 and 2 more transcripts); c.838G>T, p.Glu280Ter (NM_001407067.1); c.943G>T, p.Glu315Ter (NM_181828.3, NM_001407055.1); c.946G>T, p.Glu316Ter (NM_181829.3, NM_001407054.1, NM_001407058.1); c.820G>T, p.Glu274Ter (NM_181830.3, NM_181831.3, NM_001407063.1 and 1 more transcripts); c.448-22857G>T (NM_181833.3); c.955G>T, p.Glu319Ter (NM_001407053.1, NM_001407056.1); c.934G>T, p.Glu312Ter (NM_001407057.1, NM_001407059.1); and 2 more; short protein forms E179*, E271*, E274*, E280*, E312*, E315*, E316*, E319*.
Identifiers: ClinVar variation 4530431 (VCV004530431.1).
Genomic context (GRCh38, chr22:29,671,895, plus strand): 5'-CAGCGCCTCGCTCGAGAGAAGCAGATGAGGGAGGAGGCTGAACGCACGAGGGATGAGTTG[G>T]AGAGGAGGCTGCTGCAGATGAAAGAAGAAGCAACAATGGCCAACGAAGCACTGGTGATTT-3'